The following is an entry in ClinVar:

ClinVar aggregate classification (germline): Uncertain significance (1 of 4 stars; one submission).

gnomAD v4.1: 1 of 1,613,766 alleles (0.000062%); highest among the groups gnomAD compares: East Asian, 0.0022%; no homozygotes.

Submission:

Laboratorio de Genetica e Diagnostico Molecular, Hospital Israelita Albert Einstein
Classification: Uncertain significance. Last evaluated: 2020-12-14. Review status: criteria provided, single submitter. Criteria: ACMG Guidelines, 2015. Collection method: clinical testing. Allele origin: germline. Affected: yes.
Comment: ACMG classification criteria: PM2, BP4

NM_004667.6(HERC2):c.1426G>A (p.Ala476Thr)

Gene: HERC2 (HECT and RLD domain containing E3 ubiquitin protein ligase 2; minus strand). Cytogenetic location: 15q13.1.
Variant type: single nucleotide variant.
Coding change: c.1426G>A on transcript NM_004667.6 (MANE Select); coding-DNA position 1426, G replaced by A.
Protein change: p.Ala476Thr; replaces alanine 476 with threonine.
Molecular consequence: missense variant.
Genome position (GRCh38, 1-based): chr15:28,269,268, C>T on the plus strand (G>A on the coding strand, the complement: HERC2 is on the minus strand). VCF-style: chr15-28269268-C-T. GRCh37 (hg19) VCF-style: chr15-28514414-C-T.
Other names: short protein forms A476T.
Identifiers: ClinVar variation 1690990 (VCV001690990.2), dbSNP rs2140977353, ClinGen allele CA391400574.